The following is an entry in ClinVar:

ClinVar aggregate classification (germline): Benign/Likely benign. Review status: criteria provided, multiple submitters, no conflicts (2 of 4 stars). 7 submissions from 7 submitters: Benign (2); Likely benign (5). Last evaluated 2025-09-04.

Allele frequency attached by ClinVar (database versions not stated): 1000 Genomes Project 30x 0.00328; gnomAD 0.00904 and 0.00922.

Submissions (7):

Mayo Clinic Laboratories, Mayo Clinic
Classification: Likely benign. Last evaluated: 2025-09-04. Review status: criteria provided, single submitter. Criteria: ACMG Guidelines, 2015. Collection method: clinical testing. Allele origin: germline. Observed: 3 variant alleles.
Comment: BP4, BP7

Blueprint Genetics
Classification: Likely benign. Last evaluated: 2024-11-13. Review status: criteria provided, single submitter. Criteria: ACMG Guidelines, 2015. Collection method: clinical testing. Allele origin: germline.

CeGaT Center for Human Genetics Tuebingen
Classification: Likely benign. Last evaluated: 2023-01-01. Review status: criteria provided, single submitter. Criteria: CeGaT Center For Human Genetics Tuebingen Variant Classification Criteria Version 2. Collection method: clinical testing. Allele origin: germline. Affected: yes. Observed: 2 variant alleles.
Comment: CLCNKA: BP4, BP7

GeneDx
Classification: Benign. Last evaluated: 2021-04-26. Review status: criteria provided, single submitter. Criteria: GeneDx Variant Classification Process June 2021. Collection method: clinical testing. Allele origin: germline. Affected: yes.

Labcorp Genetics (formerly Invitae), Labcorp
Classification: Likely benign. Last evaluated: 2019-12-31. Review status: criteria provided, single submitter. Criteria: Invitae Variant Classification Sherloc (09022015). Collection method: clinical testing. Allele origin: germline.

Athena Diagnostics
Classification: Benign. Last evaluated: 2017-04-14. Review status: criteria provided, single submitter. Criteria: Athena Diagnostics Criteria. Collection method: clinical testing. Allele origin: germline.

Breakthrough Genomics
Classification: Likely benign. Review status: criteria provided, single submitter. Criteria: ACMG Guidelines, 2015. Collection method: not provided. Allele origin: germline. Inheritance: Other. Affected: yes.

Literature cited by the submitters: PubMed 21631963 (cited by Mayo Clinic Laboratories, Mayo Clinic and Athena Diagnostics).

NM_004070.4(CLCNKA):c.2055T>C (p.Ala685=)

Genes: CLCNKA (chloride voltage-gated channel Ka; plus strand), LOC106501712 (CLCNKA recombination region; plus strand). Cytogenetic location: 1p36.13.
Variant type: single nucleotide variant.
Coding change: c.2055T>C on transcript NM_004070.4 (MANE Select); coding-DNA position 2055, T replaced by C.
Protein change: p.Ala685=; no amino-acid change (alanine 685 retained).
Molecular consequence: synonymous variant.
Genome position (GRCh38, 1-based): chr1:16,033,649, T>C. VCF-style: chr1-16033649-T-C. GRCh37 (hg19) VCF-style: chr1-16360144-T-C.
Other names: p.Ala685=; c.2052T>C, p.Ala684= (NM_001042704.2); c.1926T>C, p.Ala642= (NM_001257139.2).
Identifiers: ClinVar variation 447087 (VCV000447087.34), dbSNP rs371202740, ClinGen allele CA623108.